The following is an entry in ClinVar:

ClinVar aggregate classification (germline): Uncertain significance (1 of 4 stars; one submission).

gnomAD v4.1: 4 of 1,613,988 alleles (0.00025%); highest among the groups gnomAD compares: Non-Finnish European, 0.00034%; no homozygotes.

Submission:

GeneDx
Classification: Uncertain significance. Last evaluated: 2023-07-30. Review status: criteria provided, single submitter. Criteria: GeneDx Variant Classification Process June 2021. Collection method: clinical testing. Allele origin: germline. Affected: yes.
Comment: Not observed at significant frequency in large population cohorts (gnomAD); In silico analysis supports that this missense variant does not alter protein structure/function; Has not been previously published as pathogenic or benign to our knowledge

NM_003709.4(KLF7):c.280G>T (p.Ala94Ser)

Gene: KLF7 (KLF transcription factor 7; minus strand). Cytogenetic location: 2q33.3.
Variant type: single nucleotide variant.
Coding change: c.280G>T on transcript NM_003709.4 (MANE Select); coding-DNA position 280, G replaced by T.
Protein change: p.Ala94Ser; replaces alanine 94 with serine.
Molecular consequence: missense variant.
Genome position (GRCh38, 1-based): chr2:207,124,227, C>A on the plus strand (G>T on the coding strand, the complement: KLF7 is on the minus strand). VCF-style: chr2-207124227-C-A. GRCh37 (hg19) VCF-style: chr2-207988951-C-A.
Other names: c.280G>T, p.Ala94Ser (NM_001270942.1); c.181G>T, p.Ala61Ser (NM_001270943.2); c.196G>T, p.Ala66Ser (NM_001270944.2); short protein forms A61S, A66S, A94S.
Identifiers: ClinVar variation 3361689 (VCV003361689.1).